The following is an entry in ClinVar:

ClinVar aggregate classification (germline): Conflicting classifications of pathogenicity. Review status: criteria provided, conflicting classifications (1 of 4 stars). 2 submissions from 2 submitters: Uncertain significance (1); Likely benign (1). Last evaluated 2024-08-28.

Allele frequency attached by ClinVar (database versions not stated): gnomAD exomes 0.00005; ExAC 0.00007; gnomAD 0.00007; ESP Exome Variant Server 0.00008; TOPMed 0.00008.
gnomAD v4.1: 81 of 1,613,038 alleles (0.005%); highest among the groups gnomAD compares: Middle Eastern, 0.049%; no homozygotes.

Submissions (2):

Ambry Genetics
Classification: Uncertain significance. Last evaluated: 2024-08-28. Review status: criteria provided, single submitter. Criteria: Ambry Variant Classification Scheme 2023. Collection method: clinical testing. Allele origin: germline.

CeGaT Center for Human Genetics Tuebingen
Classification: Likely benign. Last evaluated: 2024-01-01. Review status: criteria provided, single submitter. Criteria: CeGaT Center For Human Genetics Tuebingen Variant Classification Criteria Version 2. Collection method: clinical testing. Allele origin: germline. Affected: yes. Observed: 1 variant allele.
Comment: SLC26A8: BP4

NM_052961.4(SLC26A8):c.1204G>A (p.Val402Ile)

Gene: SLC26A8 (solute carrier family 26 member 8; minus strand). Cytogenetic location: 6p21.31.
Variant type: single nucleotide variant.
Coding change: c.1204G>A on transcript NM_052961.4 (MANE Select); coding-DNA position 1204, G replaced by A.
Protein change: p.Val402Ile; replaces valine 402 with isoleucine.
Molecular consequence: missense variant.
Genome position (GRCh38, 1-based): chr6:35,975,458, C>T on the plus strand (G>A on the coding strand, the complement: SLC26A8 is on the minus strand). VCF-style: chr6-35975458-C-T. GRCh37 (hg19) VCF-style: chr6-35943235-C-T.
Other names: c.1204G>A (NM_052961.3); c.1204G>A, p.Val402Ile (NM_001193476.2); c.889G>A, p.Val297Ile (NM_138718.3); short protein forms V297I, V402I.
Identifiers: ClinVar variation 3026053 (VCV003026053.23), dbSNP rs368170044, ClinGen allele CA3775606.